The following is an entry in ClinVar:

NM_000550.3(TYRP1):c.351del (p.Gly116_Trp117insTer)

Gene: TYRP1 (tyrosinase related protein 1; plus strand). Cytogenetic location: 9p23.
Variant type: Deletion.
Coding change: c.351del on transcript NM_000550.3 (MANE Select); coding-DNA position 351, one base deleted (G; older notation c.351delG).
Protein change: p.Gly116_Trp117insTer.
Molecular consequence: nonsense.
Genome position (GRCh38, 1-based): chr9:12,694,347, G deleted; the last of 2 consecutive G bases (chr9:12,694,346-12,694,347); deleting either gives the same sequence. VCF-style (leftmost placement, unchanged base first): chr9-12694345-TG-T. GRCh37 (hg19) VCF-style: chr9-12694345-TG-T.
Identifiers: ClinVar variation 2965449 (VCV002965449.3), dbSNP rs2537274612, ClinGen allele CA2689402451.

ClinVar aggregate classification (germline): Pathogenic (1 of 4 stars; one submission).

Submission:

Labcorp Genetics (formerly Invitae), Labcorp
Classification: Pathogenic. Last evaluated: 2024-11-14. Review status: criteria provided, single submitter. Criteria: Invitae Variant Classification Sherloc (09022015). Collection method: clinical testing. Allele origin: germline.
Comment: This sequence change creates a premature translational stop signal (p.Trp117*) in the TYRP1 gene. It is expected to result in an absent or disrupted protein product. Loss-of-function variants in TYRP1 are known to be pathogenic (PMID: 8651291, 9345097). This variant is not present in population databases (gnomAD no frequency). This variant has not been reported in the literature in individuals affected with TYRP1-related conditions. ClinVar contains an entry for this variant (Variation ID: 2965449). For these reasons, this variant has been classified as Pathogenic.

Literature cited by the submitters: PubMed 8651291; PubMed 9345097.